The following is an entry in ClinVar:

ClinVar aggregate classification (germline): Uncertain significance (1 of 4 stars; one submission).

Conditions:
Peroxisome biogenesis disorder 11A (Zellweger). Also called: Peroxisome biogenesis disorder 11A. Identifiers: Orphanet 912, MedGen C3554000, MONDO:0013949, OMIM 614883.

Submission:

Labcorp Genetics (formerly Invitae), Labcorp
Classification: Uncertain significance for Peroxisome biogenesis disorder 11A (Zellweger). Last evaluated: 2022-07-12. Review status: criteria provided, single submitter. Criteria: Invitae Variant Classification Sherloc (09022015). Collection method: clinical testing. Allele origin: germline.
Comment: A copy number gain of the genomic region encompassing the full coding sequence of the PEX13 gene has been identified. The boundaries of this event are unknown as they extend beyond the assayed region for this gene and therefore may encompass additional genes. As the precise location of this event is unknown, it may be in tandem or it may be located elsewhere in the genome. This variant has not been reported in the literature in individuals affected with PEX13-related conditions. In summary, the available evidence is currently insufficient to determine the role of this variant in disease. Therefore, it has been classified as a Variant of Uncertain Significance.

NC_000002.11:g.(?_61244895)_(61275905_?)dup

Genes: PEX13 (peroxisomal biogenesis factor 13; plus strand), PUS10 (pseudouridine synthase 10; minus strand). Cytogenetic location: 2p16.1.
Variant type: Duplication.
Identifiers: ClinVar variation 1400057 (VCV001400057.4).